The following is an entry in ClinVar:

NM_002485.5(NBN):c.171+2T>G

Gene: NBN (nibrin; minus strand). Cytogenetic location: 8q21.3.
Variant type: single nucleotide variant.
Coding change: c.171+2T>G on transcript NM_002485.5 (MANE Select); the canonical splice donor site of the intron after coding-DNA position 171, T replaced by G.
Molecular consequence: splice donor variant.
Genome position (GRCh38, 1-based): chr8:89,982,720, A>C on the plus strand (T>G on the coding strand, the complement: NBN is on the minus strand). VCF-style: chr8-89982720-A-C. GRCh37 (hg19) VCF-style: chr8-90994948-A-C.
Other names: c.-126+2T>G (NM_001024688.3).
Identifiers: ClinVar variation 1778542 (VCV001778542.2), dbSNP rs2488368219, ClinGen allele CA371662853.

ClinVar aggregate classification (germline): Likely pathogenic (1 of 4 stars; one submission).

Conditions:
Hereditary cancer-predisposing syndrome. Also called: Neoplastic Syndromes, Hereditary; Tumor predisposition; Hereditary Cancer Syndrome; Hereditary neoplastic syndrome. Identifiers: Orphanet 140162, MedGen C0027672, MeSH D009386, MONDO:0015356.

Submission:

Ambry Genetics
Classification: Likely pathogenic for Hereditary cancer-predisposing syndrome. Last evaluated: 2022-08-25. Review status: criteria provided, single submitter. Criteria: Ambry Variant Classification Scheme 2023. Collection method: clinical testing. Allele origin: germline.
Comment: The c.171+2T>G intronic variant results from a T to G substitution two nucleotides after coding exon 2 in the NBN gene. This nucleotide position is highly conserved in available vertebrate species. In silico splice site analysis predicts that this alteration will weaken the native splice donor site. Alterations that disrupt the canonical splice site are expected to cause aberrant splicing, resulting in an abnormal protein or a transcript that is subject to nonsense-mediated mRNA decay. As such, this alteration is classified as likely pathogenic.